The following is an entry in ClinVar:

ClinVar aggregate classification (germline): Uncertain significance (1 of 4 stars; one submission).

Conditions:
Cardiovascular phenotype. Identifiers: MedGen CN230736.

Allele frequency attached by ClinVar (database versions not stated): ExAC 0.00002; gnomAD 0.00002; gnomAD exomes below 0.00001; 1000 Genomes Project 30x 0.00031; TOPMed 0.00001; 1000 Genomes Project 0.00020.
gnomAD v4.1: 8 of 1,599,640 alleles (0.0005%); highest among the groups gnomAD compares: African/African-American, 0.004%; no homozygotes.

Submission:

Ambry Genetics
Classification: Uncertain significance for Cardiovascular phenotype. Last evaluated: 2025-03-18. Review status: criteria provided, single submitter. Criteria: Ambry Variant Classification Scheme 2023. Collection method: clinical testing. Allele origin: germline.
Comment: The p.I307T variant (also known as c.920T>C), located in coding exon 11 of the TECRL gene, results from a T to C substitution at nucleotide position 920. The isoleucine at codon 307 is replaced by threonine, an amino acid with similar properties. This amino acid position is conserved. In addition, this alteration is predicted to be tolerated by in silico analysis. Since supporting evidence is limited at this time, the clinical significance of this alteration remains unclear.

NM_001010874.5(TECRL):c.920T>C (p.Ile307Thr)

Gene: TECRL (trans-2,3-enoyl-CoA reductase like; minus strand). Cytogenetic location: 4q13.1.
Variant type: single nucleotide variant.
Coding change: c.920T>C on transcript NM_001010874.5 (MANE Select); coding-DNA position 920, T replaced by C.
Protein change: p.Ile307Thr; replaces isoleucine 307 with threonine.
Molecular consequence: missense variant.
Genome position (GRCh38, 1-based): chr4:64,281,085, A>G on the plus strand (T>C on the coding strand, the complement: TECRL is on the minus strand). VCF-style: chr4-64281085-A-G. GRCh37 (hg19) VCF-style: chr4-65146803-A-G.
Other names: c.920T>C, p.Ile307Thr (NM_001363796.1); short protein forms I307T.
Identifiers: ClinVar variation 1766204 (VCV001766204.3), dbSNP rs201746214, ClinGen allele CA2935291.